The following is an entry in ClinVar:

NM_005142.3(CBLIF):c.310C>T (p.Arg104Ter)

Gene: CBLIF (cobalamin binding intrinsic factor; minus strand). Cytogenetic location: 11q12.1.
Variant type: single nucleotide variant.
Coding change: c.310C>T on transcript NM_005142.3 (MANE Select); coding-DNA position 310, C replaced by T.
Protein change: p.Arg104Ter; replaces arginine 104 with a stop codon.
Molecular consequence: nonsense.
Genome position (GRCh38, 1-based): chr11:59,843,088, G>A on the plus strand (C>T on the coding strand, the complement: CBLIF is on the minus strand). VCF-style: chr11-59843088-G-A. GRCh37 (hg19) VCF-style: chr11-59610561-G-A.
Other names: short protein forms R104*.
Identifiers: ClinVar variation 2903417 (VCV002903417.3), dbSNP rs1866558759, ClinGen allele CA380804411.
Genomic context (GRCh38, chr11:59,843,088, plus strand): 5'-TGGAAGGTGCCCAGTTCTCCATTTGTCTTTGTAGAATGGATACTTTATCCCCAGGGTCTC[G>A]GCAGGAGGAGGTGAGGGCCATGATGGTGAGGCCGAGCTGCCCAATGGTTAGATCTGCAGA-3'

ClinVar aggregate classification (germline): Pathogenic (1 of 4 stars; one submission).

Conditions:
Hereditary intrinsic factor deficiency (IFD). Also called: PERNICIOUS ANEMIA, CONGENITAL, DUE TO DEFECT OF INTRINSIC FACTOR; Congenital intrinsic factor deficiency. Identifiers: Orphanet 332, MedGen C2062370, MONDO:0009852, OMIM 261000.

Allele frequency attached by ClinVar (database versions not stated): gnomAD exomes below 0.00001.
gnomAD v4.1: 4 of 1,613,846 alleles (0.00025%); highest among the groups gnomAD compares: Non-Finnish European, 0.00034%; no homozygotes.

Submission:

Labcorp Genetics (formerly Invitae), Labcorp
Classification: Pathogenic for Hereditary intrinsic factor deficiency. Last evaluated: 2023-09-01. Review status: criteria provided, single submitter. Criteria: Invitae Variant Classification Sherloc (09022015). Collection method: clinical testing. Allele origin: germline.
Comment: This sequence change creates a premature translational stop signal (p.Arg104*) in the GIF gene. It is expected to result in an absent or disrupted protein product. Loss-of-function variants in GIF are known to be pathogenic (PMID: 14576042, 22929189). This variant is not present in population databases (gnomAD no frequency). This variant has not been reported in the literature in individuals affected with GIF-related conditions. For these reasons, this variant has been classified as Pathogenic.

Literature cited by the submitters: PubMed 14576042; PubMed 22929189.